The following is an entry in ClinVar:

ClinVar aggregate classification (germline): Uncertain significance. Review status: criteria provided, multiple submitters, no conflicts (2 of 4 stars). 2 submissions from 2 submitters: Uncertain significance (2). Last evaluated 2024-12-20.

Conditions:
Autosomal recessive severe congenital neutropenia due to G6PC3 deficiency. Also called: NEUTROPENIA, SEVERE CONGENITAL, 4, AUTOSOMAL RECESSIVE; G6PC3 Deficiency. Identifiers: Orphanet 331176, MedGen C2751630, MONDO:0012930, OMIM 612541.
Inborn genetic diseases. Identifiers: MedGen C0950123, MeSH D030342.

gnomAD v4.1: 10 of 1,612,512 alleles (0.00062%); highest among the groups gnomAD compares: Non-Finnish European, 0.00085%; no homozygotes.

Submissions (2):

Ambry Genetics
Classification: Uncertain significance for Inborn genetic diseases. Last evaluated: 2024-12-20. Review status: criteria provided, single submitter. Criteria: Ambry Variant Classification Scheme 2023. Collection method: clinical testing. Allele origin: germline.
Comment: The p.V288A variant (also known as c.863T>C), located in coding exon 6 of the G6PC3 gene, results from a T to C substitution at nucleotide position 863. The valine at codon 288 is replaced by alanine, an amino acid with similar properties. This amino acid position is conserved. In addition, this alteration is predicted to be tolerated by in silico analysis. Based on the available evidence, the clinical significance of this variant remains unclear.

Labcorp Genetics (formerly Invitae), Labcorp
Classification: Uncertain significance for Autosomal recessive severe congenital neutropenia due to G6PC3 deficiency. Last evaluated: 2024-11-12. Review status: criteria provided, single submitter. Criteria: Invitae Variant Classification Sherloc (09022015). Collection method: clinical testing. Allele origin: germline.
Comment: This sequence change replaces valine, which is neutral and non-polar, with alanine, which is neutral and non-polar, at codon 288 of the G6PC3 protein (p.Val288Ala). This variant is not present in population databases (gnomAD no frequency). This variant has not been reported in the literature in individuals affected with G6PC3-related conditions. Invitae Evidence Modeling of protein sequence and biophysical properties (such as structural, functional, and spatial information, amino acid conservation, physicochemical variation, residue mobility, and thermodynamic stability) indicates that this missense variant is not expected to disrupt G6PC3 protein function with a negative predictive value of 95%. In summary, the available evidence is currently insufficient to determine the role of this variant in disease. Therefore, it has been classified as a Variant of Uncertain Significance.

NM_138387.4(G6PC3):c.863T>C (p.Val288Ala)

Gene: G6PC3 (glucose-6-phosphatase catalytic subunit 3; plus strand). Cytogenetic location: 17q21.31.
Variant type: single nucleotide variant.
Coding change: c.863T>C on transcript NM_138387.4 (MANE Select); coding-DNA position 863, T replaced by C.
Protein change: p.Val288Ala; replaces valine 288 with alanine.
Molecular consequence: missense variant. On other transcripts: 3 prime UTR variant (1).
Genome position (GRCh38, 1-based): chr17:44,075,865, T>C. VCF-style: chr17-44075865-T-C. GRCh37 (hg19) VCF-style: chr17-42153233-T-C.
Other names: c.*156T>C (NM_001319945.2); c.518T>C, p.Val173Ala (NM_001384165.1, NM_001384166.1, NM_001384167.1 and 1 more transcripts); short protein forms V173A, V288A.
Identifiers: ClinVar variation 3692474 (VCV003692474.3).